The following is an entry in ClinVar:

NM_002485.5(NBN):c.2065A>G (p.Lys689Glu)

Gene: NBN (nibrin; minus strand). Cytogenetic location: 8q21.3.
Variant type: single nucleotide variant.
Coding change: c.2065A>G on transcript NM_002485.5 (MANE Select); coding-DNA position 2065, A replaced by G.
Protein change: p.Lys689Glu; replaces lysine 689 with glutamic acid.
Molecular consequence: missense variant.
Genome position (GRCh38, 1-based): chr8:89,946,145, T>C on the plus strand (A>G on the coding strand, the complement: NBN is on the minus strand). VCF-style: chr8-89946145-T-C. GRCh37 (hg19) VCF-style: chr8-90958373-T-C.
Other names: c.1819A>G, p.Lys607Glu (NM_001024688.3); short protein forms K689E, K607E.
Identifiers: ClinVar variation 1390000 (VCV001390000.6), dbSNP rs1554556461, ClinGen allele CA371676324.

ClinVar aggregate classification (germline): Uncertain significance (1 of 4 stars; one submission).

Conditions:
Microcephaly, normal intelligence and immunodeficiency (NBS). Also called: SEEMANOVA SYNDROME II; IMMUNODEFICIENCY, MICROCEPHALY, AND CHROMOSOMAL INSTABILITY; Immunodeficiency, microcephaly with normal intelligence; BERLIN BREAKAGE SYNDROME; Nijmegen breakage syndrome; Microcephaly with normal intelligence immunodeficiency and lymphoreticular malignancies. Identifiers: Orphanet 647, MedGen C0398791, MONDO:0009623, OMIM 251260.

Submission:

Labcorp Genetics (formerly Invitae), Labcorp
Classification: Uncertain significance for Microcephaly, normal intelligence and immunodeficiency. Last evaluated: 2021-10-28. Review status: criteria provided, single submitter. Criteria: Invitae Variant Classification Sherloc (09022015). Collection method: clinical testing. Allele origin: germline.
Comment: In summary, the available evidence is currently insufficient to determine the role of this variant in disease. Therefore, it has been classified as a Variant of Uncertain Significance. Algorithms developed to predict the effect of missense changes on protein structure and function are either unavailable or do not agree on the potential impact of this missense change (SIFT: "Tolerated"; PolyPhen-2: "Probably Damaging"; Align-GVGD: "Class C0"). This variant has not been reported in the literature in individuals affected with NBN-related conditions. This variant is not present in population databases (gnomAD no frequency). This sequence change replaces lysine, which is basic and polar, with glutamic acid, which is acidic and polar, at codon 689 of the NBN protein (p.Lys689Glu).